The following is an entry in ClinVar:

ClinVar aggregate classification (germline): Uncertain significance. Review status: criteria provided, multiple submitters, no conflicts (2 of 4 stars). 3 submissions from 3 submitters: Uncertain significance (3). Last evaluated 2025-12-08.

Conditions:
Pheochromocytoma/paraganglioma syndrome 3. Also called: SDHC-Related Hereditary Paraganglioma-Pheochromocytoma Syndrome (Paragangliomas 3); SDHC-Related Hereditary Paraganglioma-Pheochromocytoma Syndrome; GLOMUS TUMORS, FAMILIAL, 3; Paragangliomas 3. Identifiers: Orphanet 29072, MedGen C1854336, MONDO:0011544, OMIM 605373.
Gastrointestinal stromal tumor. Also called: Gastrointestinal stromal tumor, somatic; Gastrointestinal stroma tumor. Identifiers: Orphanet 44890, MedGen C0238198, MeSH D046152, MONDO:0011719, OMIM 606764, HP:0100723.
Hereditary cancer-predisposing syndrome. Also called: Neoplastic Syndromes, Hereditary; Tumor predisposition; Hereditary Cancer Syndrome; Hereditary neoplastic syndrome. Identifiers: Orphanet 140162, MedGen C0027672, MeSH D009386, MONDO:0015356.

Allele frequency attached by ClinVar (database versions not stated): gnomAD 0.00001; TOPMed 0.00001; ExAC 0.00002.

Submissions (3):

Labcorp Genetics (formerly Invitae), Labcorp
Classification: Uncertain significance for Pheochromocytoma/paraganglioma syndrome 3; Gastrointestinal stromal tumor. Last evaluated: 2025-12-08. Review status: criteria provided, single submitter. Criteria: Invitae Variant Classification Sherloc (09022015). Collection method: clinical testing. Allele origin: germline.
Comment: This sequence change replaces alanine, which is neutral and non-polar, with glycine, which is neutral and non-polar, at codon 2 of the SDHC protein (p.Ala2Gly). This variant is present in population databases (rs781337432, gnomAD 0.003%). This variant has not been reported in the literature in individuals affected with SDHC-related conditions. ClinVar contains an entry for this variant (Variation ID: 663942). An algorithm developed to predict the effect of missense changes on protein structure and function (PolyPhen-2) suggests that this variant is likely to be tolerated. In summary, the available evidence is currently insufficient to determine the role of this variant in disease. Therefore, it has been classified as a Variant of Uncertain Significance.

Ambry Genetics
Classification: Uncertain significance for Hereditary cancer-predisposing syndrome. Last evaluated: 2025-07-24. Review status: criteria provided, single submitter. Criteria: Ambry Variant Classification Scheme 2023. Collection method: clinical testing. Allele origin: germline.
Comment: The p.A2G variant (also known as c.5C>G), located in coding exon 1 of the SDHC gene, results from a C to G substitution at nucleotide position 5. The alanine at codon 2 is replaced by glycine, an amino acid with similar properties. This variant was reported in individual(s) with features consistent with SDHC-related hereditary pheochromocytoma-paraganglioma (Ambry internal data). This amino acid position is highly conserved in available vertebrate species. In addition, this alteration is predicted to be deleterious by in silico analysis. Based on the available evidence, the clinical significance of this variant remains unclear.

Baylor Genetics
Classification: Uncertain significance for Gastrointestinal stromal tumor. Last evaluated: 2023-11-12. Review status: criteria provided, single submitter. Criteria: ACMG Guidelines, 2015. Collection method: clinical testing. Allele origin: unknown.

NM_003001.5(SDHC):c.5C>G (p.Ala2Gly)

Gene: SDHC (succinate dehydrogenase complex subunit C; plus strand). Cytogenetic location: 1q23.3.
Variant type: single nucleotide variant.
Coding change: c.5C>G on transcript NM_003001.5 (MANE Select); coding-DNA position 5, C replaced by G.
Protein change: p.Ala2Gly; replaces alanine 2 with glycine.
Molecular consequence: missense variant.
Genome position (GRCh38, 1-based): chr1:161,314,410, C>G. VCF-style: chr1-161314410-C-G. GRCh37 (hg19) VCF-style: chr1-161284200-C-G.
Other names: c.5C>G, p.Ala2Gly (NM_001035511.3, NM_001035512.3, NM_001035513.3 and 6 more transcripts); c.-556C>G (NM_001407119.1); c.-225C>G (NM_001407120.1); short protein forms A2G.
Identifiers: ClinVar variation 663942 (VCV000663942.14), dbSNP rs781337432, ClinGen allele CA048106.
Genomic context (GRCh38, chr1:161,314,410, plus strand): 5'-CCGCCCTCGGGTGGCGGGGCCGCCTGGCGTCACTTCCGTCCAGACCGGAACCCAAGATGG[C>G]TGCGCTGTTGCTGAGGTGACTTCAGTGGGACTGGGAGTTGGTGCCTGCGGCCCTCCGGAG-3'
Protein context (NP_002992.1, residues 1-12): M[Ala2Gly]ALLLRHVGRH